The following is an entry in ClinVar:

ClinVar aggregate classification (germline): Uncertain significance (1 of 4 stars; one submission).

Conditions:
Cortical dysplasia-focal epilepsy syndrome (PTHSL1). Also called: Pitt-Hopkins-like syndrome 1. Identifiers: Orphanet 163681, Orphanet 221150, MedGen C2750246, MONDO:0012400, OMIM 610042.

Allele frequency attached by ClinVar (database versions not stated): gnomAD exomes below 0.00001.

Submission:

Labcorp Genetics (formerly Invitae), Labcorp
Classification: Uncertain significance for Cortical dysplasia-focal epilepsy syndrome. Last evaluated: 2019-12-25. Review status: criteria provided, single submitter. Criteria: Invitae Variant Classification Sherloc (09022015). Collection method: clinical testing. Allele origin: germline.
Comment: This sequence change replaces proline with serine at codon 5 of the CNTNAP2 protein (p.Pro5Ser). The proline residue is weakly conserved and there is a moderate physicochemical difference between proline and serine. In summary, the available evidence is currently insufficient to determine the role of this variant in disease. Therefore, it has been classified as a Variant of Uncertain Significance. Algorithms developed to predict the effect of missense changes on protein structure and function output the following: SIFT: "Tolerated"; PolyPhen-2: "Benign"; Align-GVGD: "Class C0". The serine amino acid residue is found in multiple mammalian species, suggesting that this missense change does not adversely affect protein function. These predictions have not been confirmed by published functional studies and their clinical significance is uncertain. This variant has not been reported in the literature in individuals with CNTNAP2-related conditions. The frequency data for this variant in the population databases is considered unreliable, as metrics indicate insufficient coverage at this position in the ExAC database.

NM_014141.6(CNTNAP2):c.13C>T (p.Pro5Ser)

Gene: CNTNAP2 (contactin associated protein 2; plus strand). Cytogenetic location: 7q35.
Variant type: single nucleotide variant.
Coding change: c.13C>T on transcript NM_014141.6 (MANE Select); coding-DNA position 13, C replaced by T.
Protein change: p.Pro5Ser; replaces proline 5 with serine.
Molecular consequence: missense variant.
Genome position (GRCh38, 1-based): chr7:146,116,889, C>T. VCF-style: chr7-146116889-C-T. GRCh37 (hg19) VCF-style: chr7-145813981-C-T.
Other names: short protein forms P5S.
Identifiers: ClinVar variation 836566 (VCV000836566.12), dbSNP rs1797490961, ClinGen allele CA369922000.